The following is an entry in ClinVar:

NM_000481.4(AMT):c.850G>C (p.Val284Leu)

Gene: AMT (aminomethyltransferase; minus strand). Cytogenetic location: 3p21.31.
Variant type: single nucleotide variant.
Coding change: c.850G>C on transcript NM_000481.4 (MANE Select); coding-DNA position 850, G replaced by C.
Protein change: p.Val284Leu; replaces valine 284 with leucine.
Molecular consequence: missense variant. On other transcripts: non-coding transcript variant (1).
Genome position (GRCh38, 1-based): chr3:49,418,998, C>G on the plus strand (G>C on the coding strand, the complement: AMT is on the minus strand). VCF-style: chr3-49418998-C-G. GRCh37 (hg19) VCF-style: chr3-49456431-C-G.
Other names: c.718G>C, p.Val240Leu (NM_001164710.2); c.682G>C, p.Val228Leu (NM_001164711.2); c.850G>C, p.Val284Leu (NM_001164712.2); short protein forms V228L, V240L, V284L.
Identifiers: ClinVar variation 2573419 (VCV002573419.1), dbSNP rs2107931384, ClinGen allele CA352789714.

ClinVar aggregate classification (germline): Uncertain significance (1 of 4 stars; one submission).

Allele frequency attached by ClinVar (database versions not stated): gnomAD exomes 0.00001.
gnomAD v4.1: 13 of 1,614,070 alleles (0.00081%); highest among the groups gnomAD compares: Non-Finnish European, 0.0011%; no homozygotes.

Submission:

Women's Health and Genetics/Laboratory Corporation of America, LabCorp
Classification: Uncertain significance. Last evaluated: 2023-06-14. Review status: criteria provided, single submitter. Criteria: LabCorp Variant Classification Summary - May 2015. Collection method: clinical testing. Allele origin: germline.
Comment: Variant summary: AMT c.850G>C (p.Val284Leu) results in a conservative amino acid change located in the Aminomethyltransferase, folate-binding domain (IPR006222) of the encoded protein sequence. Three of five in-silico tools predict a damaging effect of the variant on protein function. The variant was absent in 251312 control chromosomes (gnomAD). The available data on variant occurrences in the general population are insufficient to allow any conclusion about variant significance. c.850G>C has been reported in the literature in an individual affected with spina bifida without strong evidence of causality (Narisawa_2011). This report does not provide unequivocal conclusions about association of the variant with Glycine Encephalopathy (Non-Ketotic Hyperglycinemia). To our knowledge, no experimental evidence demonstrating an impact on protein function has been reported. The following publication has been ascertained in the context of this evaluation (PMID: 22171071). No clinical diagnostic laboratories have submitted clinical-significance assessments for this variant to ClinVar after 2014. Based on the evidence outlined above, the variant was classified as uncertain significance.

Literature cited by the submitters: PubMed 22171071.